The following is an entry in ClinVar:

NM_001089.3(ABCA3):c.920C>T (p.Ala307Val)

Gene: ABCA3 (ATP binding cassette subfamily A member 3; minus strand). Cytogenetic location: 16p13.3.
Variant type: single nucleotide variant.
Coding change: c.920C>T on transcript NM_001089.3 (MANE Select); coding-DNA position 920, C replaced by T.
Protein change: p.Ala307Val; replaces alanine 307 with valine.
Molecular consequence: missense variant.
Genome position (GRCh38, 1-based): chr16:2,317,718, G>A on the plus strand (C>T on the coding strand, the complement: ABCA3 is on the minus strand). VCF-style: chr16-2317718-G-A. GRCh37 (hg19) VCF-style: chr16-2367719-G-A.
Other names: short protein forms A307V.
Identifiers: ClinVar variation 3358857 (VCV003358857.2).

ClinVar aggregate classification (germline): Likely pathogenic (1 of 4 stars; one submission).

Conditions:
Interstitial lung disease due to ABCA3 deficiency. Also called: PULMONARY ALVEOLAR PROTEINOSIS, CONGENITAL, 3. Identifiers: Orphanet 440402, MedGen C1970456, MONDO:0012582, OMIM 610921.

gnomAD v4.1: 1 of 1,614,242 alleles (0.000062%); highest among the groups gnomAD compares: Non-Finnish European, 0.000085%; no homozygotes.

Submission:

Institute of Human Genetics, Medical University Innsbruck
Classification: Likely pathogenic for Interstitial lung disease due to ABCA3 deficiency. Last evaluated: 2024-09-20. Review status: criteria provided, single submitter. Criteria: ACMG Guidelines, 2015. Collection method: clinical testing. Allele origin: germline. Inheritance: Autosomal recessive inheritance. Affected: yes. Observed: 1 heterozygote.
Comment: PP3: Multiple lines of computational evidence support a deleterious effect on the gene or gene product (conservation, evolutionary, splicing impact, etc.) Caveat: Because many in silico algorithms use the same or very similar input for their predictions, each algorithm should not be counted as an independent criterion. PP3 can be used only once in any evaluation of a variant. PP4: Patient’s phenotype or family history is highly specific for a disease with a single genetic etiology PP5: Reputable source recently reports variant as pathogenic, but the evidence is not available to the laboratory to perform an independent evaluation BP4: Multiple lines of computational evidence suggest no impact on gene or gene product (conservation, evolutionary, splicing impact, etc.) Caveat: Because many in silico algorithms use the same or very similar input for their predictions, each algorithm cannot be counted as an independent criterion. BP4 can be used only once in any evaluation of a variant. → Suggested ACMG classification: Likely Pathogenic ( score = 8) Mutation was found in heterozygous state in an autosomal recessive disease. The second mutation was not found, but the preterm was seriously ill and the heterozygous mutation acts like a risk factor and worsened the clinical outcome.

Literature cited by the submitters: PubMed 26222203; PubMed 35265641.